The following is an entry in ClinVar:

NM_005141.5(FGB):c.958+6G>A

Gene: FGB (fibrinogen beta chain; plus strand). Cytogenetic location: 4q31.3.
Variant type: single nucleotide variant.
Coding change: c.958+6G>A on transcript NM_005141.5 (MANE Select); 6 bases into the intron after coding-DNA position 958, G replaced by A.
Molecular consequence: intron variant.
Genome position (GRCh38, 1-based): chr4:154,569,313, G>A. VCF-style: chr4-154569313-G-A. GRCh37 (hg19) VCF-style: chr4-155490465-G-A.
Other names: c.781+6G>A (NM_001184741.1); c.958+6G>A (NM_001382761.1, NM_001382760.1, NM_001382765.1 and 1 more transcripts); c.949+6G>A (NM_001382763.1); c.746-288G>A (NM_001382762.1); c.826+6G>A (NM_001382759.1).
Identifiers: ClinVar variation 4750996 (VCV004750996.1).
Genomic context (GRCh38, chr4:154,569,313, plus strand): 5'-GGATTTGGAAATGTTGCAACCAACACAGATGGGAAGAATTACTGTGGCCTACCAGGTAAC[G>A]AACAGGCATGCAAAATAAAATCATTCTATTTGAAATGGGATTTTTTTTAATTAAAAAACA-3'

ClinVar aggregate classification (germline): Uncertain significance (1 of 4 stars; one submission).

gnomAD v4.1: 9 of 1,613,880 alleles (0.00056%); highest among the groups gnomAD compares: African/African-American, 0.0027%; no homozygotes.

Submission:

Labcorp Genetics (formerly Invitae), Labcorp
Classification: Uncertain significance. Last evaluated: 2025-03-24. Review status: criteria provided, single submitter. Criteria: Invitae Variant Classification Sherloc (09022015). Collection method: clinical testing. Allele origin: germline.
Comment: This sequence change falls in intron 6 of the FGB gene. It does not directly change the encoded amino acid sequence of the FGB protein. It affects a nucleotide within the consensus splice site. This variant is present in population databases (rs769708528, gnomAD 0.003%). This variant has not been reported in the literature in individuals affected with FGB-related conditions. Variants that disrupt the consensus splice site are a relatively common cause of aberrant splicing (PMID: 17576681, 9536098). Algorithms developed to predict the effect of sequence changes on RNA splicing suggest that this variant is not likely to affect RNA splicing. In summary, the available evidence is currently insufficient to determine the role of this variant in disease. Therefore, it has been classified as a Variant of Uncertain Significance.

Literature cited by the submitters: PubMed 17576681; PubMed 9536098.